The following is an entry in ClinVar:

NM_001297.5(CNGB1):c.878G>A (p.Ser293Asn)

Gene: CNGB1 (cyclic nucleotide gated channel subunit beta 1; minus strand). Cytogenetic location: 16q21.
Variant type: single nucleotide variant.
Coding change: c.878G>A on transcript NM_001297.5 (MANE Select); coding-DNA position 878, G replaced by A.
Protein change: p.Ser293Asn; replaces serine 293 with asparagine.
Molecular consequence: missense variant.
Genome position (GRCh38, 1-based): chr16:57,950,537, C>T on the plus strand (G>A on the coding strand, the complement: CNGB1 is on the minus strand). VCF-style: chr16-57950537-C-T. GRCh37 (hg19) VCF-style: chr16-57984441-C-T.
Other names: c.860G>A, p.Ser287Asn (NM_001286130.2); short protein forms S293N, S287N.
Identifiers: ClinVar variation 194195 (VCV000194195.23), dbSNP rs146170855, ClinGen allele CA240054.

ClinVar aggregate classification (germline): Conflicting classifications of pathogenicity. Review status: criteria provided, conflicting classifications (1 of 4 stars). 8 submissions from 8 submitters: Uncertain significance (4); Likely benign (2). 2 of the submissions do not count toward it. Last evaluated 2026-01-28.

Conditions:
CNGB1-related disorder. Also called: CNGB1-related condition.
Inborn genetic diseases. Identifiers: MedGen C0950123, MeSH D030342.
Optic atrophy. Identifiers: MedGen C0029124, MONDO:0003608, HP:0000648.
Retinitis pigmentosa (RP). Identifiers: Orphanet 791, MedGen C0035334, MeSH D012174, MONDO:0019200, OMIM 268000. Inheritance: Autosomal dominant, autosomal recessive and X linked inheritance.

Allele frequency attached by ClinVar (database versions not stated): ESP Exome Variant Server 0.00048; TOPMed 0.00100; gnomAD 0.00105 and 0.00119; 1000 Genomes Project 30x 0.00156; 1000 Genomes Project 0.00200.
gnomAD v4.1: 572 of 1,614,126 alleles (0.035%); highest among the groups gnomAD compares: African/African-American, 0.32%; 4 homozygotes.

Submissions (8):

Labcorp Genetics (formerly Invitae), Labcorp
Classification: Likely benign. Last evaluated: 2026-01-28. Review status: criteria provided, single submitter. Criteria: Invitae Variant Classification Sherloc (09022015). Collection method: clinical testing. Allele origin: germline.

Blueprint Genetics
Classification: Likely benign. Last evaluated: 2024-10-23. Review status: criteria provided, single submitter. Criteria: ACMG Guidelines, 2015. Collection method: clinical testing. Allele origin: germline.

Ambry Genetics
Classification: Uncertain significance for Inborn genetic diseases. Last evaluated: 2024-08-02. Review status: criteria provided, single submitter. Criteria: Ambry Variant Classification Scheme 2023. Collection method: clinical testing. Allele origin: germline.

Illumina Laboratory Services, Illumina
Classification: Uncertain significance for Retinitis pigmentosa. Last evaluated: 2018-01-12. Review status: criteria provided, single submitter. Criteria: ICSL Variant Classification Criteria 13 December 2019. Collection method: clinical testing. Allele origin: germline.

GeneDx
Classification: Uncertain significance. Last evaluated: 2015-12-03. Review status: criteria provided, single submitter. Criteria: GeneDx Variant Classification (06012015). Collection method: clinical testing. Allele origin: germline. Affected: yes.
Comment: The S293N variant in the CNGB1 gene has not been reported previously as a pathogenic variant, nor as a benign variant, to our knowledge. The S293N variant was not observed at any significant frequency in approximately 6200 individuals of European and African American ancestry in the NHLBI Exome Sequencing Project, indicating it is not a common benign variant in these populations. The S293N variant is a conservative amino acid substitution, which is not likely to impact secondary protein structure as these residues share similar properties. This substitution occurs at a position that is not conserved; Asparagine is seen in one species. In silico analysis predicts this variant likely does not alter the protein structure/function. We interpret S293N as a variant of uncertain significance.

Eurofins Ntd Llc (ga)
Classification: Uncertain significance. Last evaluated: 2014-08-25. Review status: criteria provided, single submitter. Criteria: EGL Classification Definitions 2015. Collection method: clinical testing. Allele origin: germline. Observed: 1 variant allele, 1 heterozygote.

PreventionGenetics, part of Exact Sciences
Classification: Likely benign for CNGB1-related condition. Last evaluated: 2024-07-25. Review status: no assertion criteria provided. Collection method: clinical testing. Allele origin: germline. Not counted in ClinVar's aggregate classification.
Comment: This variant is classified as likely benign based on ACMG/AMP sequence variant interpretation guidelines (Richards et al. 2015 PMID: 25741868, with internal and published modifications).

Institute of Human Genetics, Univ. Regensburg, Univ. Regensburg
Classification: Uncertain significance for Optic atrophy. Last evaluated: 2022-01-01. Review status: no assertion criteria provided. Criteria: ACMG Guidelines, 2015. Collection method: clinical testing. Allele origin: germline. Affected: yes. Not counted in ClinVar's aggregate classification.